The following is an entry in ClinVar:

ClinVar aggregate classification (germline): Likely benign. Review status: criteria provided, multiple submitters, no conflicts (2 of 4 stars). 3 submissions from 3 submitters: Likely benign (3). Last evaluated 2026-01-06.

Allele frequency attached by ClinVar (database versions not stated): ExAC 0.00002; gnomAD 0.00002 and 0.00003; gnomAD exomes 0.00002 and 0.00003; TOPMed 0.00002; 1000 Genomes Project 30x 0.00016; 1000 Genomes Project 0.00020.
gnomAD v4.1: 35 of 1,613,594 alleles (0.0022%); highest among the groups gnomAD compares: Admixed American, 0.0033%; no homozygotes.

Submissions (3):

Labcorp Genetics (formerly Invitae), Labcorp
Classification: Likely benign. Last evaluated: 2026-01-06. Review status: criteria provided, single submitter. Criteria: Invitae Variant Classification Sherloc (09022015). Collection method: clinical testing. Allele origin: germline.

CeGaT Center for Human Genetics Tuebingen
Classification: Likely benign. Last evaluated: 2025-08-01. Review status: criteria provided, single submitter. Criteria: CeGaT Center For Human Genetics Tuebingen Variant Classification Criteria Version 2. Collection method: clinical testing. Allele origin: germline. Affected: yes. Observed: 1 variant allele.
Comment: NFKB1: BP4, BP7

Blueprint Genetics
Classification: Likely benign. Last evaluated: 2024-07-29. Review status: criteria provided, single submitter. Criteria: ACMG Guidelines, 2015. Collection method: clinical testing. Allele origin: germline.

NM_003998.4(NFKB1):c.507A>T (p.Gly169=)

Gene: NFKB1 (nuclear factor kappa B subunit 1; plus strand). Cytogenetic location: 4q24.
Variant type: single nucleotide variant.
Coding change: c.507A>T on transcript NM_003998.4 (MANE Select); coding-DNA position 507, A replaced by T.
Protein change: p.Gly169=; no amino-acid change (glycine 169 retained).
Molecular consequence: synonymous variant.
Genome position (GRCh38, 1-based): chr4:102,576,975, A>T. VCF-style: chr4-102576975-A-T. GRCh37 (hg19) VCF-style: chr4-103498132-A-T.
Other names: c.504A>T, p.Gly168= (NM_001165412.2, NM_001319226.2, NM_001382627.1); c.507A>T, p.Gly169= (NM_001382625.1, NM_001382626.1); c.465A>T, p.Gly155= (NM_001382628.1).
Identifiers: ClinVar variation 1577636 (VCV001577636.17), dbSNP rs569980066, ClinGen allele CA3025895.